The following is an entry in ClinVar:

NM_206933.4(USH2A):c.12267A>T (p.Glu4089Asp)

Gene: USH2A (usherin; minus strand). Cytogenetic location: 1q41.
Variant type: single nucleotide variant.
Coding change: c.12267A>T on transcript NM_206933.4 (MANE Select); coding-DNA position 12267, A replaced by T.
Protein change: p.Glu4089Asp; replaces glutamic acid 4089 with aspartic acid.
Molecular consequence: missense variant.
Genome position (GRCh38, 1-based): chr1:215,680,176, T>A on the plus strand (A>T on the coding strand, the complement: USH2A is on the minus strand). VCF-style: chr1-215680176-T-A. GRCh37 (hg19) VCF-style: chr1-215853518-T-A.
Other names: short protein forms E4089D.
Identifiers: ClinVar variation 1707239 (VCV001707239.2), dbSNP rs1658178958, ClinGen allele CA344815839.

ClinVar aggregate classification (germline): Uncertain significance (1 of 4 stars; one submission).

Allele frequency attached by ClinVar (database versions not stated): TOPMed below 0.00001.
gnomAD v4.1: 2 of 1,614,124 alleles (0.00012%); highest among the groups gnomAD compares: East Asian, 0.0045%; no homozygotes.

Submission:

GeneDx
Classification: Uncertain significance. Last evaluated: 2022-03-20. Review status: criteria provided, single submitter. Criteria: GeneDx Variant Classification Process June 2021. Collection method: clinical testing. Allele origin: germline. Affected: yes.
Comment: Not observed at significant frequency in large population cohorts (gnomAD); In silico analysis supports that this missense variant does not alter protein structure/function; Has not been previously published as pathogenic or benign to our knowledge